The following is an entry in ClinVar:

NM_001378609.3(OTOGL):c.2369C>A (p.Thr790Asn)

Gene: OTOGL (otogelin like; plus strand). Cytogenetic location: 12q21.31.
Variant type: single nucleotide variant.
Coding change: c.2369C>A on transcript NM_001378609.3 (MANE Select); coding-DNA position 2369, C replaced by A.
Protein change: p.Thr790Asn; replaces threonine 790 with asparagine.
Molecular consequence: missense variant.
Genome position (GRCh38, 1-based): chr12:80,266,595, C>A. VCF-style: chr12-80266595-C-A. GRCh37 (hg19) VCF-style: chr12-80660375-C-A.
Other names: c.2369C>A, p.Thr790Asn (NM_001368062.3, NM_001378610.3, NM_173591.7); short protein forms T790N.
Identifiers: ClinVar variation 1331113 (VCV001331113.4), dbSNP rs569965067, ClinGen allele CA6700746.

ClinVar aggregate classification (germline): Uncertain significance. Review status: criteria provided, multiple submitters, no conflicts (2 of 4 stars). 2 submissions from 2 submitters: Uncertain significance (2). Last evaluated 2023-07-11.

Conditions:
Inborn genetic diseases. Identifiers: MedGen C0950123, MeSH D030342.

Allele frequency attached by ClinVar (database versions not stated): ExAC 0.00001; gnomAD 0.00001; 1000 Genomes Project 30x 0.00016; 1000 Genomes Project 0.00020.
gnomAD v4.1: 14 of 1,613,398 alleles (0.00087%); highest among the groups gnomAD compares: Admixed American, 0.022%; no homozygotes.

Submissions (2):

Ambry Genetics
Classification: Uncertain significance for Inborn genetic diseases. Last evaluated: 2023-07-11. Review status: criteria provided, single submitter. Criteria: Ambry Variant Classification Scheme 2023. Collection method: clinical testing. Allele origin: germline.

GeneDx
Classification: Uncertain significance. Last evaluated: 2021-12-30. Review status: criteria provided, single submitter. Criteria: GeneDx Variant Classification Process June 2021. Collection method: clinical testing. Allele origin: germline. Affected: yes.
Comment: Not observed at significant frequency in large population cohorts (Lek et al., 2016); In silico analysis supports that this missense variant does not alter protein structure/function; Has not been previously published as pathogenic or benign to our knowledge